The following is an entry in ClinVar:

NM_018192.4(P3H2):c.245C>T (p.Thr82Met)

Gene: P3H2 (prolyl 3-hydroxylase 2; minus strand). Cytogenetic location: 3q28.
Variant type: single nucleotide variant.
Coding change: c.245C>T on transcript NM_018192.4 (MANE Select); coding-DNA position 245, C replaced by T.
Protein change: p.Thr82Met; replaces threonine 82 with methionine.
Molecular consequence: missense variant. On other transcripts: intron variant (1).
Genome position (GRCh38, 1-based): chr3:190,120,487, G>A on the plus strand (C>T on the coding strand, the complement: P3H2 is on the minus strand). VCF-style: chr3-190120487-G-A. GRCh37 (hg19) VCF-style: chr3-189838276-G-A.
Other names: c.-64+1716C>T (NM_001134418.2); c.245C>T (NM_018192.3); short protein forms T82M.
Identifiers: ClinVar variation 1018426 (VCV001018426.4), dbSNP rs947578248, ClinGen allele CA355859876.

ClinVar aggregate classification (germline): Uncertain significance. Review status: criteria provided, multiple submitters, no conflicts (2 of 4 stars). 2 submissions from 2 submitters: Uncertain significance (2). Last evaluated 2023-02-01.

Conditions:
Inborn genetic diseases. Identifiers: MedGen C0950123, MeSH D030342.

gnomAD v4.1: 8 of 1,447,462 alleles (0.00055%); highest among the groups gnomAD compares: African/African-American, 0.0044%; no homozygotes.

Submissions (2):

Ambry Genetics
Classification: Uncertain significance for Inborn genetic diseases. Last evaluated: 2023-02-01. Review status: criteria provided, single submitter. Criteria: Ambry Variant Classification Scheme 2023. Collection method: clinical testing. Allele origin: germline.

Labcorp Genetics (formerly Invitae), Labcorp
Classification: Uncertain significance. Last evaluated: 2021-09-01. Review status: criteria provided, single submitter. Criteria: Invitae Variant Classification Sherloc (09022015). Collection method: clinical testing. Allele origin: germline.
Comment: This sequence change replaces threonine with methionine at codon 82 of the P3H2 protein (p.Thr82Met). The threonine residue is weakly conserved and there is a moderate physicochemical difference between threonine and methionine. The frequency data for this variant in the population databases is considered unreliable, as metrics indicate insufficient coverage at this position in the ExAC database. This variant has not been reported in the literature in individuals affected with P3H2-related conditions. Algorithms developed to predict the effect of missense changes on protein structure and function (SIFT, PolyPhen-2, Align-GVGD) all suggest that this variant is likely to be tolerated. In summary, the available evidence is currently insufficient to determine the role of this variant in disease. Therefore, it has been classified as a Variant of Uncertain Significance.